The following is an entry in ClinVar:

NM_002692.4(POLE2):c.137A>T (p.Glu46Val)

Gene: POLE2 (DNA polymerase epsilon 2, accessory subunit; minus strand). Cytogenetic location: 14q21.3.
Variant type: single nucleotide variant.
Coding change: c.137A>T on transcript NM_002692.4 (MANE Select); coding-DNA position 137, A replaced by T.
Protein change: p.Glu46Val; replaces glutamic acid 46 with valine.
Molecular consequence: missense variant. On other transcripts: 5 prime UTR variant (1).
Genome position (GRCh38, 1-based): chr14:49,683,625, T>A on the plus strand (A>T on the coding strand, the complement: POLE2 is on the minus strand). VCF-style: chr14-49683625-T-A. GRCh37 (hg19) VCF-style: chr14-50150343-T-A.
Other names: c.137A>T, p.Glu46Val (NM_001197330.2, NM_001197331.3, NM_001348384.2); c.-99A>T (NM_001348385.2); short protein forms E46V.
Identifiers: ClinVar variation 2748984 (VCV002748984.3), dbSNP rs2502941670, ClinGen allele CA389616367.

ClinVar aggregate classification (germline): Uncertain significance (1 of 4 stars; one submission).

Submission:

Labcorp Genetics (formerly Invitae), Labcorp
Classification: Uncertain significance. Last evaluated: 2023-05-23. Review status: criteria provided, single submitter. Criteria: Invitae Variant Classification Sherloc (09022015). Collection method: clinical testing. Allele origin: germline.
Comment: In summary, the available evidence is currently insufficient to determine the role of this variant in disease. Therefore, it has been classified as a Variant of Uncertain Significance. An algorithm developed to predict the effect of missense changes on protein structure and function (PolyPhen-2) suggests that this variant is likely to be tolerated. This variant has not been reported in the literature in individuals affected with POLE2-related conditions. This variant is not present in population databases (gnomAD no frequency). This sequence change replaces glutamic acid, which is acidic and polar, with valine, which is neutral and non-polar, at codon 46 of the POLE2 protein (p.Glu46Val).